The following is an entry in ClinVar:

NM_000256.3(MYBPC3):c.2346C>T (p.Asn782=)

Gene: MYBPC3 (myosin binding protein C3; minus strand). Cytogenetic location: 11p11.2.
Variant type: single nucleotide variant.
Coding change: c.2346C>T on transcript NM_000256.3 (MANE Select); coding-DNA position 2346, C replaced by T.
Protein change: p.Asn782=; no amino-acid change (asparagine 782 retained).
Molecular consequence: synonymous variant.
Genome position (GRCh38, 1-based): chr11:47,337,757, G>A on the plus strand (C>T on the coding strand, the complement: MYBPC3 is on the minus strand). VCF-style: chr11-47337757-G-A. GRCh37 (hg19) VCF-style: chr11-47359308-G-A.
Other names: c.2346C>T, p.Asn782= (LRG_386t1).
Identifiers: ClinVar variation 384910 (VCV000384910.27), dbSNP rs768638405, ClinGen allele CA078662.
Genomic context (GRCh38, chr11:47,337,757, plus strand): 5'-GGGCTGCCCGCCATCGTAGGCAGGCGGCTCCCACTGTACTGTGCAGGAGTCCTCTCCCAC[G>A]TTGCTGATCTTGGGGGCCGCAGGTGCGTCTGGCACGTCTGGATGGGGTGGGATGGACCCA-3'
Protein context (NP_000247.2, residues 772-792): PDAPAAPKIS[Asn782=]VGEDSCTVQW

ClinVar aggregate classification (germline): Conflicting classifications of pathogenicity. Review status: criteria provided, conflicting classifications (1 of 4 stars). 13 submissions from 12 submitters: Uncertain significance (2); Likely benign (8). 3 of the submissions do not count toward it. Last evaluated 2025-11-25.

Conditions:
MYBPC3-related disorder. Also called: MYBPC3-related disorders; MYBPC3-related condition; MYBPC3-related disease.
Cardiovascular phenotype. Identifiers: MedGen CN230736.
Left ventricular noncompaction 10 (LVNC10). Identifiers: Orphanet 154, Orphanet 54260, MedGen C3715165, MONDO:0014163, OMIM 615396.
Cardiomyopathy (CMYO). Also called: Cardiomyopathies. Identifiers: Orphanet 167848, MedGen C0878544, MONDO:0004994, HP:0001638. Inheritance: Various modes of inheritance.
Hypertrophic cardiomyopathy 4. Also called: Familial hypertrophic cardiomyopathy 4. Identifiers: MedGen C1861862, MONDO:0007268, OMIM 115197.
Hypertrophic cardiomyopathy. Also called: HYPERTROPHIC MYOCARDIOPATHY. Identifiers: Orphanet 217569, MedGen C0007194, MeSH D002312, MONDO:0005045, HP:0001639.

Allele frequency attached by ClinVar (database versions not stated): gnomAD exomes 0.00001; ExAC 0.00005.
gnomAD v4.1: 12 of 1,555,640 alleles (0.00077%); highest among the groups gnomAD compares: South Asian, 0.0083%; no homozygotes.

Submissions (13):

Labcorp Genetics (formerly Invitae), Labcorp
Classification: Likely benign for Hypertrophic cardiomyopathy. Last evaluated: 2025-11-25. Review status: criteria provided, single submitter. Criteria: Invitae Variant Classification Sherloc (09022015). Collection method: clinical testing. Allele origin: germline.

PreventionGenetics, part of Exact Sciences
Classification: Likely benign for MYBPC3-related condition. Last evaluated: 2025-05-16. Review status: criteria provided, single submitter. Criteria: ACMG Guidelines, 2015. Collection method: clinical testing. Allele origin: germline.
Comment: This variant is classified as likely benign based on ACMG/AMP sequence variant interpretation guidelines (Richards et al. 2015 PMID: 25741868, with internal and published modifications).

Blueprint Genetics
Classification: Likely benign. Last evaluated: 2024-06-27. Review status: criteria provided, single submitter. Criteria: ACMG Guidelines, 2015. Collection method: clinical testing. Allele origin: germline.

Ambry Genetics
Classification: Likely benign for Cardiovascular phenotype. Last evaluated: 2023-07-05. Review status: criteria provided, single submitter. Criteria: Ambry Variant Classification Scheme 2023. Collection method: clinical testing. Allele origin: germline.

All of Us Research Program, National Institutes of Health
Classification: Likely benign for Hypertrophic cardiomyopathy. Last evaluated: 2023-05-08. Review status: criteria provided, single submitter. Criteria: ACMG Guidelines, 2015. Collection method: clinical testing. Allele origin: germline. Inheritance: Autosomal dominant inheritance. Observed: 2 variant alleles, 2 heterozygotes.
Comment: This study involves interpretation of variants in research participants for the purpose of population health screening. Participant phenotype was not available at the time of variant classification. Additional details can be found in publication PMID: 35346344, PMCID: PMC8962531

Color Diagnostics, LLC DBA Color Health
Classification: Likely benign for Cardiomyopathy. Last evaluated: 2018-11-30. Review status: criteria provided, single submitter. Criteria: ACMG Guidelines, 2015. Collection method: clinical testing. Allele origin: germline.

CHEO Genetics Diagnostic Laboratory, Children's Hospital of Eastern Ontario
Classification: Likely benign for Cardiomyopathy. Last evaluated: 2017-11-14. Review status: criteria provided, single submitter. Criteria: ACMG Guidelines, 2015. Collection method: clinical testing. Allele origin: germline.

Illumina Laboratory Services, Illumina
Classification: Uncertain significance for Hypertrophic cardiomyopathy 4. Last evaluated: 2017-04-28. Review status: criteria provided, single submitter. Criteria: ICSL Variant Classification Criteria 13 December 2019. Collection method: clinical testing. Allele origin: germline.

Illumina Laboratory Services, Illumina
Classification: Uncertain significance for Left ventricular noncompaction 10. Last evaluated: 2017-04-28. Review status: criteria provided, single submitter. Criteria: ICSL Variant Classification Criteria 13 December 2019. Collection method: clinical testing. Allele origin: germline.

GeneDx
Classification: Likely benign. Last evaluated: 2016-03-17. Review status: criteria provided, single submitter. Criteria: GeneDx Variant Classification (06012015). Collection method: clinical testing. Allele origin: germline. Affected: yes.
Comment: This variant is considered likely benign or benign based on one or more of the following criteria: it is a conservative change, it occurs at a poorly conserved position in the protein, it is predicted to be benign by multiple in silico algorithms, and/or has population frequency not consistent with disease.

Clinical Genetics DNA and cytogenetics Diagnostics Lab, Erasmus MC, Erasmus Medical Center
Classification: Benign. Review status: no assertion criteria provided. Collection method: clinical testing. Allele origin: germline. Affected: yes. Study: VKGL Data-share Consensus. Not counted in ClinVar's aggregate classification.

Clinical Genetics, Academic Medical Center
Classification: Benign. Review status: no assertion criteria provided. Collection method: clinical testing. Allele origin: germline. Affected: yes. Study: VKGL Data-share Consensus. Not counted in ClinVar's aggregate classification.

Joint Genome Diagnostic Labs from Nijmegen and Maastricht, Radboudumc and MUMC+
Classification: Likely benign. Review status: no assertion criteria provided. Collection method: clinical testing. Allele origin: germline. Affected: yes. Study: VKGL Data-share Consensus. Not counted in ClinVar's aggregate classification.